The following is an entry in ClinVar:

NM_001048174.2(MUTYH):c.920A>T (p.Asn307Ile)

Gene: MUTYH (mutY DNA glycosylase; minus strand). Cytogenetic location: 1p34.1.
Variant type: single nucleotide variant.
Coding change: c.920A>T on transcript NM_001048174.2 (MANE Select); coding-DNA position 920, A replaced by T.
Protein change: p.Asn307Ile; replaces asparagine 307 with isoleucine.
Molecular consequence: missense variant. On other transcripts: non-coding transcript variant (7).
Genome position (GRCh38, 1-based): chr1:45,331,843, T>A on the plus strand (A>T on the coding strand, the complement: MUTYH is on the minus strand). VCF-style: chr1-45331843-T-A. GRCh37 (hg19) VCF-style: chr1-45797515-T-A.
Other names: c.920A>T, p.Asn307Ile (NM_001407073.1, NM_001048173.2, NM_001293195.2 and 6 more transcripts); c.836A>T, p.Asn279Ile (NM_001407075.1); c.953A>T, p.Asn318Ile (NM_001407077.1, NM_001293191.2, NM_001407069.1); c.923A>T, p.Asn308Ile (NM_001048172.2, NM_001407078.1, NM_001407086.1 and 1 more transcripts); c.1004A>T, p.Asn335Ile (NM_001128425.2); c.965A>T, p.Asn322Ile (NM_001293190.2); c.644A>T, p.Asn215Ile (NM_001293192.2, NM_001407091.1, NM_001293196.2); c.881A>T, p.Asn294Ile (NM_001407079.1); and 5 more; short protein forms N294I, N308I, N318I, N192I, N279I, N321I, N322I, N332I.
Identifiers: ClinVar variation 4112912 (VCV004112912.1).

ClinVar aggregate classification (germline): Uncertain significance (1 of 4 stars; one submission).

Conditions:
Hereditary cancer-predisposing syndrome. Also called: Tumor predisposition; Neoplastic Syndromes, Hereditary; Hereditary neoplastic syndrome; Hereditary Cancer Syndrome. Identifiers: Orphanet 140162, MedGen C0027672, MeSH D009386, MONDO:0015356.

Submission:

Ambry Genetics
Classification: Uncertain significance for Hereditary cancer-predisposing syndrome. Last evaluated: 2025-08-27. Review status: criteria provided, single submitter. Criteria: Ambry Variant Classification Scheme 2023. Collection method: clinical testing. Allele origin: germline.
Comment: The p.N335I variant (also known as c.1004A>T), located in coding exon 12 of the MUTYH gene, results from an A to T substitution at nucleotide position 1004. The asparagine at codon 335 is replaced by isoleucine, an amino acid with dissimilar properties. This amino acid position is conserved. In addition, this alteration is predicted to be tolerated by in silico analysis. Based on the available evidence, the clinical significance of this variant remains unclear.